The following is an entry in ClinVar:

ClinVar aggregate classification (germline): Pathogenic (1 of 4 stars; one submission).

Conditions:
Osteogenesis imperfecta type I (OI1). Also called: Lobstein disease; Osteogenesis imperfecta type 1; OI, TYPE I; OSTEOGENESIS IMPERFECTA TARDA; OSTEOGENESIS IMPERFECTA WITH BLUE SCLERAE; Lobstein's Disease. Identifiers: Orphanet 216796, Orphanet 666, MedGen C0023931, MONDO:0008146, OMIM 166200. Disease mechanism: loss of function.

Submission:

Labcorp Genetics (formerly Invitae), Labcorp
Classification: Pathogenic for Osteogenesis imperfecta type I. Last evaluated: 2018-04-06. Review status: criteria provided, single submitter. Criteria: Invitae Variant Classification Sherloc (09022015). Collection method: clinical testing. Allele origin: germline.
Comment: For these reasons, this variant has been classified as Pathogenic. This missense change is located within a functionally conserved triple helix domain of the COL1A1 protein and variants that affect the glycine residue in Gly-Xaa-Yaa repeats of the collagen triple helix are known to disrupt protein folding and stability (PMID: 8218237, 7695699). This variant is not present in population databases (ExAC no frequency). This sequence change replaces glycine with serine at codon 191 of the COL1A1 protein (p.Gly191Ser). The glycine residue is highly conserved and there is a small physicochemical difference between glycine and serine.

Literature cited by the submitters: PubMed 8218237; PubMed 7695699.

NM_000088.4(COL1A1):c.571G>A (p.Gly191Ser)

Gene: COL1A1 (collagen type I alpha 1 chain; minus strand). Cytogenetic location: 17q21.33.
Variant type: single nucleotide variant.
Coding change: c.571G>A on transcript NM_000088.4 (MANE Select); coding-DNA position 571, G replaced by A.
Protein change: p.Gly191Ser; replaces glycine 191 with serine.
Molecular consequence: missense variant.
Genome position (GRCh38, 1-based): chr17:50,198,178, C>T on the plus strand (G>A on the coding strand, the complement: COL1A1 is on the minus strand). VCF-style: chr17-50198178-C-T. GRCh37 (hg19) VCF-style: chr17-48275539-C-T.
Other names: short protein forms G191S.
Identifiers: ClinVar variation 575257 (VCV000575257.9), dbSNP rs1567763451, ClinGen allele CA400225606.